The following is an entry in ClinVar:

NM_001734.5(C1S):c.56T>C (p.Met19Thr)

Gene: C1S (complement C1s; plus strand). Cytogenetic location: 12p13.31.
Variant type: single nucleotide variant.
Coding change: c.56T>C on transcript NM_001734.5 (MANE Select); coding-DNA position 56, T replaced by C.
Protein change: p.Met19Thr; replaces methionine 19 with threonine.
Molecular consequence: missense variant. On other transcripts: intron variant (1).
Genome position (GRCh38, 1-based): chr12:7,062,525, T>C. VCF-style: chr12-7062525-T-C. GRCh37 (hg19) VCF-style: chr12-7169829-T-C.
Other names: c.56T>C, p.Met19Thr (NM_201442.4); c.-288-365T>C (NM_001346850.2); c.56T>C (NM_201442.2); short protein forms M19T.
Identifiers: ClinVar variation 1516857 (VCV001516857.28), dbSNP rs782622054, ClinGen allele CA6423305.

ClinVar aggregate classification (germline): Uncertain significance. Review status: criteria provided, multiple submitters, no conflicts (2 of 4 stars). 3 submissions from 3 submitters: Uncertain significance (3). Last evaluated 2026-02-04.

Conditions:
Inborn genetic diseases. Identifiers: MedGen C0950123, MeSH D030342.

Allele frequency attached by ClinVar (database versions not stated): TOPMed below 0.00001; ExAC 0.00001; gnomAD 0.00001; gnomAD exomes 0.00001.

Submissions (3):

Labcorp Genetics (formerly Invitae), Labcorp
Classification: Uncertain significance. Last evaluated: 2026-02-04. Review status: criteria provided, single submitter. Criteria: Invitae Variant Classification Sherloc (09022015). Collection method: clinical testing. Allele origin: germline.
Comment: This sequence change replaces methionine, which is neutral and non-polar, with threonine, which is neutral and polar, at codon 19 of the C1S protein (p.Met19Thr). This variant is present in population databases (rs782622054, gnomAD 0.002%). This variant has not been reported in the literature in individuals affected with C1S-related conditions. ClinVar contains an entry for this variant (Variation ID: 1516857). An algorithm developed to predict the effect of missense changes on protein structure and function (PolyPhen-2) suggests that this variant is likely to be disruptive. In summary, the available evidence is currently insufficient to determine the role of this variant in disease. Therefore, it has been classified as a Variant of Uncertain Significance.

Ambry Genetics
Classification: Uncertain significance for Inborn genetic diseases. Last evaluated: 2025-08-29. Review status: criteria provided, single submitter. Criteria: Ambry Variant Classification Scheme 2023. Collection method: clinical testing. Allele origin: germline.

CeGaT Center for Human Genetics Tuebingen
Classification: Uncertain significance. Last evaluated: 2024-04-01. Review status: criteria provided, single submitter. Criteria: CeGaT Center For Human Genetics Tuebingen Variant Classification Criteria Version 2. Collection method: clinical testing. Allele origin: germline. Affected: yes. Observed: 1 variant allele.
Comment: C1S: PM2, BP4